The following is an entry in ClinVar:

ClinVar aggregate classification (germline): Uncertain significance (1 of 4 stars; one submission).

Allele frequency attached by ClinVar (database versions not stated): ExAC 0.00001; gnomAD exomes 0.00001; gnomAD 0.00002; TOPMed 0.00002.
gnomAD v4.1: 12 of 1,612,190 alleles (0.00074%); highest among the groups gnomAD compares: Admixed American, 0.0033%; no homozygotes.

Submission:

Labcorp Genetics (formerly Invitae), Labcorp
Classification: Uncertain significance. Last evaluated: 2024-10-26. Review status: criteria provided, single submitter. Criteria: Invitae Variant Classification Sherloc (09022015). Collection method: clinical testing. Allele origin: germline.
Comment: This sequence change replaces threonine, which is neutral and polar, with methionine, which is neutral and non-polar, at codon 220 of the DSG1 protein (p.Thr220Met). This variant is present in population databases (rs767678194, gnomAD 0.006%). This variant has not been reported in the literature in individuals affected with DSG1-related conditions. Invitae Evidence Modeling of protein sequence and biophysical properties (such as structural, functional, and spatial information, amino acid conservation, physicochemical variation, residue mobility, and thermodynamic stability) indicates that this missense variant is not expected to disrupt DSG1 protein function with a negative predictive value of 80%. In summary, the available evidence is currently insufficient to determine the role of this variant in disease. Therefore, it has been classified as a Variant of Uncertain Significance.

NM_001942.4(DSG1):c.659C>T (p.Thr220Met)

Gene: DSG1 (desmoglein 1; plus strand). Cytogenetic location: 18q12.1.
Variant type: single nucleotide variant.
Coding change: c.659C>T on transcript NM_001942.4 (MANE Select); coding-DNA position 659, C replaced by T.
Protein change: p.Thr220Met; replaces threonine 220 with methionine.
Molecular consequence: missense variant.
Genome position (GRCh38, 1-based): chr18:31,331,842, C>T. VCF-style: chr18-31331842-C-T. GRCh37 (hg19) VCF-style: chr18-28911805-C-T.
Other names: short protein forms T220M.
Identifiers: ClinVar variation 2900675 (VCV002900675.3), dbSNP rs767678194, ClinGen allele CA8925894.